The following is an entry in ClinVar:

ClinVar aggregate classification (germline): Pathogenic/Likely pathogenic. Review status: criteria provided, multiple submitters, no conflicts (2 of 4 stars). 4 submissions from 4 submitters: Pathogenic (1); Likely pathogenic (3). Last evaluated 2025-04-09.

Conditions:
Hereditary cancer-predisposing syndrome. Also called: Tumor predisposition; Hereditary Cancer Syndrome; Hereditary neoplastic syndrome; Neoplastic Syndromes, Hereditary. Identifiers: Orphanet 140162, MedGen C0027672, MeSH D009386, MONDO:0015356.
Neurofibromatosis, type 1 (NF1). Also called: VON RECKLINGHAUSEN DISEASE; NEUROFIBROMATOSIS, TYPE I, SOMATIC; Peripheral type neurofibromatosis; Neurofibromatosis, type I. Identifiers: Orphanet 636, MedGen C0027831, MONDO:0018975, OMIM 162200. Disease mechanism: loss of function.

Submissions (4):

NHS Central & South Genomic Laboratory Hub
Classification: Likely pathogenic for Neurofibromatosis type 1. Last evaluated: 2025-04-09. Review status: criteria provided, single submitter. Criteria: ACMG Guidelines, 2015. Collection method: clinical testing. Allele origin: germline. Affected: yes.

Women's Health and Genetics/Laboratory Corporation of America, LabCorp
Classification: Likely pathogenic for Neurofibromatosis, type 1. Last evaluated: 2024-12-23. Review status: criteria provided, single submitter. Criteria: LabCorp Variant Classification Summary - May 2015. Collection method: clinical testing. Allele origin: germline.
Comment: Variant summary: NF1 c.3502G>C (p.Gly1168Arg) results in a non-conservative amino acid change in the encoded protein sequence. Four of five in-silico tools predict a damaging effect of the variant on protein function. The variant was absent in 251348 control chromosomes (gnomAD). The available data on variant occurrences in the general population are insufficient to allow any conclusion about variant significance. c.3502G>C has been observed to segregate with features of Neurofibromatosis Type 1 in individuals with a personal/family history of disease tested at our laboratory (internal data). To our knowledge, no occurrence of c.3502G>C in individuals affected with Neurofibromatosis Type 1 and no experimental evidence demonstrating its impact on protein function have been reported. ClinVar contains an entry for this variant (Variation ID: 237550). Based on the evidence outlined above, the variant was classified as likely pathogenic.

Labcorp Genetics (formerly Invitae), Labcorp
Classification: Pathogenic for Neurofibromatosis, type 1. Last evaluated: 2023-08-10. Review status: criteria provided, single submitter. Criteria: Invitae Variant Classification Sherloc (09022015). Collection method: clinical testing. Allele origin: germline.
Comment: For these reasons, this variant has been classified as Pathogenic. Advanced modeling of protein sequence and biophysical properties (such as structural, functional, and spatial information, amino acid conservation, physicochemical variation, residue mobility, and thermodynamic stability) performed at Invitae indicates that this missense variant is expected to disrupt NF1 protein function. ClinVar contains an entry for this variant (Variation ID: 237550). This missense change has been observed in individual(s) with neurofibromatosis type 1 (Invitae). It has also been observed to segregate with disease in related individuals. This variant is not present in population databases (gnomAD no frequency). This sequence change replaces glycine, which is neutral and non-polar, with arginine, which is basic and polar, at codon 1168 of the NF1 protein (p.Gly1168Arg).

Ambry Genetics
Classification: Likely pathogenic for Hereditary cancer-predisposing syndrome. Last evaluated: 2014-12-30. Review status: criteria provided, single submitter. Criteria: Ambry Autosomal Dominant and X-Linked criteria (10/2015). Collection method: clinical testing. Allele origin: germline. Observed: 1 variant allele.
Comment: <span style="font-family:arial,helvetica,sans-serif">The p.G1168R variant (also known as c.3502G>C), located in coding exon 27 of the NF1 gene, results from a G to C substitution at nucleotide position 3502. The glycine at codon 1168 is replaced by arginine, an amino acid with dissimilar properties. This variant was not reported in population based cohorts in the following databases: Database of Single Nucleotide Polymorphisms (dbSNP), NHLBI Exome Sequencing Project (ESP), and 1000 Genomes Project. In the ESP, this variant was not observed in 6503 samples (13006 alleles) with coverage at this position. To date, this alteration has been detected with an allele frequency of approximately 0.002% (greater than 110000alleles tested) in our clinical cohort.This variant was detected in individuals meeting diagnostic criteria for Neurofibromatosis type 1(Ambryinternal data).This amino acid position is highly conserved in available vertebrate species. In addition, this alteration is predicted to be deleterious by in silico analysis.Based on the majority of available evidence to date, this variant is likely to be pathogenic.

NM_001042492.3(NF1):c.3502G>C (p.Gly1168Arg)

Gene: NF1 (neurofibromin 1; plus strand). Cytogenetic location: 17q11.2.
Variant type: single nucleotide variant.
Coding change: c.3502G>C on transcript NM_001042492.3 (MANE Select); coding-DNA position 3502, G replaced by C.
Protein change: p.Gly1168Arg; replaces glycine 1168 with arginine.
Molecular consequence: missense variant.
Genome position (GRCh38, 1-based): chr17:31,233,007, G>C. VCF-style: chr17-31233007-G-C. GRCh37 (hg19) VCF-style: chr17-29560025-G-C.
Other names: c.3502G>C, p.Gly1168Arg (NM_000267.4); short protein forms G1168R.
Identifiers: ClinVar variation 237550 (VCV000237550.12), dbSNP rs878853883, ClinGen allele CA10583493.